The following is an entry in ClinVar:

ClinVar aggregate classification (germline): Conflicting classifications of pathogenicity. Review status: criteria provided, conflicting classifications (1 of 4 stars). 3 submissions from 3 submitters: Uncertain significance (2); Likely benign (1). Last evaluated 2026-01-21.

Conditions:
Junctional epidermolysis bullosa with pyloric atresia. Also called: APLASIA CUTIS CONGENITA WITH GASTROINTESTINAL ATRESIA; CARMI SYNDROME; EB-PA-ACC; EPIDERMOLYSIS BULLOSA, JUNCTIONAL 5B, WITH PYLORIC ATRESIA; ITGB4-Related Epidermolysis Bullosa with Pyloric Atresia; ITGA6-Related Epidermolysis Bullosa with Pyloric Atresia. Identifiers: Orphanet 79403, MedGen C5676875, MONDO:0009183, OMIM 226730.

Allele frequency attached by ClinVar (database versions not stated): 1000 Genomes Project 0.00040; ESP Exome Variant Server 0.00054; 1000 Genomes Project 30x 0.00062; ExAC 0.00063; gnomAD 0.00064 and 0.00086; gnomAD exomes 0.00069; TOPMed 0.00147.
gnomAD v4.1: 1,363 of 1,613,380 alleles (0.084%); highest among the groups gnomAD compares: Middle Eastern, 0.23%; 2 homozygotes.

Submissions (3):

Labcorp Genetics (formerly Invitae), Labcorp
Classification: Likely benign. Last evaluated: 2026-01-21. Review status: criteria provided, single submitter. Criteria: Invitae Variant Classification Sherloc (09022015). Collection method: clinical testing. Allele origin: germline.

GeneDx
Classification: Uncertain significance. Last evaluated: 2024-08-21. Review status: criteria provided, single submitter. Criteria: GeneDx Variant Classification Process June 2021. Collection method: clinical testing. Allele origin: germline. Affected: yes.
Comment: In silico analysis indicates that this missense variant does not alter protein structure/function; Has not been previously published as pathogenic or benign to our knowledge

Illumina Laboratory Services, Illumina
Classification: Uncertain significance for Junctional epidermolysis bullosa with pyloric atresia. Last evaluated: 2018-01-13. Review status: criteria provided, single submitter. Criteria: ICSL Variant Classification Criteria 13 December 2019. Collection method: clinical testing. Allele origin: germline.

NM_000213.5(ITGB4):c.2638G>A (p.Asp880Asn)

Gene: ITGB4 (integrin subunit beta 4; plus strand). Cytogenetic location: 17q25.1.
Variant type: single nucleotide variant.
Coding change: c.2638G>A on transcript NM_000213.5 (MANE Select); coding-DNA position 2638, G replaced by A.
Protein change: p.Asp880Asn; replaces aspartic acid 880 with asparagine.
Molecular consequence: missense variant.
Genome position (GRCh38, 1-based): chr17:75,742,345, G>A. VCF-style: chr17-75742345-G-A. GRCh37 (hg19) VCF-style: chr17-73738426-G-A.
Other names: c.2638G>A, p.Asp880Asn (NM_001005619.2, NM_001005731.3, NM_001321123.2); short protein forms D880N.
Identifiers: ClinVar variation 890541 (VCV000890541.10), dbSNP rs139092703, ClinGen allele CA8769537.